The following is an entry in ClinVar:

NM_002439.5(MSH3):c.3043T>A (p.Cys1015Ser)

Gene: MSH3 (mutS homolog 3; plus strand). Cytogenetic location: 5q14.1.
Variant type: single nucleotide variant.
Coding change: c.3043T>A on transcript NM_002439.5 (MANE Select); coding-DNA position 3043, T replaced by A.
Protein change: p.Cys1015Ser; replaces cysteine 1015 with serine.
Molecular consequence: missense variant.
Genome position (GRCh38, 1-based): chr5:80,864,855, T>A. VCF-style: chr5-80864855-T-A. GRCh37 (hg19) VCF-style: chr5-80160674-T-A.
Other names: short protein forms C1015S.
Identifiers: ClinVar variation 1799176 (VCV001799176.5), dbSNP rs1229168817, ClinGen allele CA360346190.

ClinVar aggregate classification (germline): Uncertain significance. Review status: criteria provided, multiple submitters, no conflicts (2 of 4 stars). 2 submissions from 2 submitters: Uncertain significance (2). Last evaluated 2024-12-12.

Conditions:
Hereditary cancer-predisposing syndrome. Also called: Neoplastic Syndromes, Hereditary; Tumor predisposition; Hereditary Cancer Syndrome; Hereditary neoplastic syndrome. Identifiers: Orphanet 140162, MedGen C0027672, MeSH D009386, MONDO:0015356.

Allele frequency attached by ClinVar (database versions not stated): gnomAD 0.00001.
gnomAD v4.1: 4 of 1,613,402 alleles (0.00025%); highest among the groups gnomAD compares: Non-Finnish European, 0.00034%; no homozygotes.

Submissions (2):

Labcorp Genetics (formerly Invitae), Labcorp
Classification: Uncertain significance. Last evaluated: 2024-12-12. Review status: criteria provided, single submitter. Criteria: Invitae Variant Classification Sherloc (09022015). Collection method: clinical testing. Allele origin: germline.
Comment: This sequence change replaces cysteine, which is neutral and slightly polar, with serine, which is neutral and polar, at codon 1015 of the MSH3 protein (p.Cys1015Ser). This variant is not present in population databases (gnomAD no frequency). This variant has not been reported in the literature in individuals affected with MSH3-related conditions. ClinVar contains an entry for this variant (Variation ID: 1799176). An algorithm developed to predict the effect of missense changes on protein structure and function (PolyPhen-2) suggests that this variant is likely to be disruptive. In summary, the available evidence is currently insufficient to determine the role of this variant in disease. Therefore, it has been classified as a Variant of Uncertain Significance.

Ambry Genetics
Classification: Uncertain significance for Hereditary cancer-predisposing syndrome. Last evaluated: 2024-04-10. Review status: criteria provided, single submitter. Criteria: Ambry Variant Classification Scheme 2023. Collection method: clinical testing. Allele origin: germline.
Comment: The p.C1015S variant (also known as c.3043T>A), located in coding exon 22 of the MSH3 gene, results from a T to A substitution at nucleotide position 3043. The cysteine at codon 1015 is replaced by serine, an amino acid with dissimilar properties. This amino acid position is highly conserved in available vertebrate species. In addition, this alteration is predicted to be deleterious by in silico analysis. Since supporting evidence is limited at this time, the clinical significance of this alteration remains unclear.